The following is an entry in ClinVar:

ClinVar aggregate classification (germline): Uncertain significance (1 of 4 stars; one submission).

Conditions:
Epilepsy, childhood absence, susceptibility to, 1. Also called: Epilepsy, childhood absence 1. Identifiers: Orphanet 64280, MedGen C1838604, MONDO:0020759, OMIM 600131.
Epilepsy, childhood absence, susceptibility to, 5. Identifiers: Orphanet 64280, MedGen C2677087, MONDO:0012843, OMIM 612269.

Submission:

Labcorp Genetics (formerly Invitae), Labcorp
Classification: Uncertain significance for Epilepsy, childhood absence, susceptibility to, 5; Epilepsy, childhood absence, susceptibility to, 1. Last evaluated: 2023-03-18. Review status: criteria provided, single submitter. Criteria: Invitae Variant Classification Sherloc (09022015). Collection method: clinical testing. Allele origin: germline.
Comment: This variant results in a copy number gain of the genomic region encompassing exon(s) 4-9 of the GABRB3 gene. This region includes the termination codon of the gene. This copy number gain extends beyond the assayed region for this gene and therefore may encompass additional genes. As the precise location of this event is unknown, it may be in tandem or it may be located elsewhere in the genome. In summary, the available evidence is currently insufficient to determine the role of this variant in disease. Therefore, it has been classified as a Variant of Uncertain Significance. Experimental studies and prediction algorithms are not available or were not evaluated, and the functional significance of this variant is currently unknown. A similar copy number variant has been observed in individual(s) with clinical features of GABRB3-related conditions (Invitae).

NC_000015.9:g.(?_26792940)_(26866701_?)dup

Gene: GABRB3 (gamma-aminobutyric acid type A receptor subunit beta3; minus strand). Cytogenetic location: 15q12.
Variant type: Duplication.
Identifiers: ClinVar variation 2423404 (VCV002423404.4).